The following is an entry in ClinVar:

ClinVar aggregate classification (germline): Uncertain significance (1 of 4 stars; one submission).

Conditions:
Myasthenic syndrome, congenital, 22 (CMS22). Also called: PREPL DEFICIENCY. Identifiers: MedGen C4479088, MONDO:0044299, OMIM 616224.

Allele frequency attached by ClinVar (database versions not stated): gnomAD exomes below 0.00001.

Submission:

Labcorp Genetics (formerly Invitae), Labcorp
Classification: Uncertain significance for Myasthenic syndrome, congenital, 22. Last evaluated: 2022-09-06. Review status: criteria provided, single submitter. Criteria: Invitae Variant Classification Sherloc (09022015). Collection method: clinical testing. Allele origin: germline.
Comment: In summary, the available evidence is currently insufficient to determine the role of this variant in disease. Therefore, it has been classified as a Variant of Uncertain Significance. Algorithms developed to predict the effect of missense changes on protein structure and function output the following: SIFT: "Tolerated"; PolyPhen-2: "Benign"; Align-GVGD: "Class C0". The asparagine amino acid residue is found in multiple mammalian species, which suggests that this missense change does not adversely affect protein function. ClinVar contains an entry for this variant (Variation ID: 954243). This variant has not been reported in the literature in individuals affected with PREPL-related conditions. This variant is not present in population databases (gnomAD no frequency). This sequence change replaces aspartic acid, which is acidic and polar, with asparagine, which is neutral and polar, at codon 330 of the PREPL protein (p.Asp330Asn).

NM_001171613.2(PREPL):c.721G>A (p.Asp241Asn)

Gene: PREPL (prolyl endopeptidase like; minus strand). Cytogenetic location: 2p21.
Variant type: single nucleotide variant.
Coding change: c.721G>A on transcript NM_001171613.2 (MANE Select); coding-DNA position 721, G replaced by A.
Protein change: p.Asp241Asn; replaces aspartic acid 241 with asparagine.
Molecular consequence: missense variant. On other transcripts: intron variant (1).
Genome position (GRCh38, 1-based): chr2:44,338,518, C>T on the plus strand (G>A on the coding strand, the complement: PREPL is on the minus strand). VCF-style: chr2-44338518-C-T. GRCh37 (hg19) VCF-style: chr2-44565657-C-T.
Other names: c.988G>A, p.Asp330Asn (NM_006036.4, NM_001042386.2, NM_001171603.1 and 3 more transcripts); c.721G>A, p.Asp241Asn (NM_001171617.1, NM_001374277.1); c.969+629G>A (NM_001042385.2); short protein forms D330N, D241N.
Identifiers: ClinVar variation 954243 (VCV000954243.9), dbSNP rs1674871167, ClinGen allele CA346691729.